The following is an entry in ClinVar:

NM_001127222.2(CACNA1A):c.6937CAG[12] (p.Gln2325del)

Genes: CACNA1A (calcium voltage-gated channel subunit alpha1 A; minus strand), LOC108663985 (calcium voltage-gated channel subunit alpha1 A repeat instability region; plus strand). Cytogenetic location: 19p13.13.
Variant type: Microsatellite.
Coding change: c.6937CAG[12] on transcript NM_001127222.2 (MANE Select); 12 copies in a row of the 3-base unit CAG starting at c.6937; the reference has 13 copies in a row; one copy, 3 bases deleted.
Protein change: p.Gln2325del; deletes glutamine 2325.
Molecular consequence: inframe deletion. On other transcripts: 3 prime UTR variant (3).
Genome position (GRCh38, 1-based): chr19:13,207,859-13,207,861, CTG deleted on the plus strand (CAG on the coding strand, the reverse complement: CACNA1A is on the minus strand); deleting any 3 consecutive bases within chr19:13,207,859-13,207,898 gives the same sequence; the position shown is the placement nearest the transcript's 3' end. VCF-style (leftmost placement, unchanged base first): chr19-13207858-CCTG-C. GRCh37 (hg19) VCF-style: chr19-13318672-CCTG-C.
Other names: c.6991_6993delCAG (NM_023035.3); c.*149CAG[12] (NM_000068.4, NM_001127221.2, NM_001174080.2); c.6955CAG[12], p.Gln2331del (NM_023035.3); short protein forms Q2325del, Q2331del.
Identifiers: ClinVar variation 1295862 (VCV001295862.5), dbSNP rs16054, ClinGen allele CA9239227.

ClinVar aggregate classification (germline): Benign/Likely benign. Review status: criteria provided, multiple submitters, no conflicts (2 of 4 stars). 4 submissions from 4 submitters: Benign (3); Likely benign (1). Last evaluated 2024-11-28.

Conditions:
Spinocerebellar ataxia type 6 (SCA6). Identifiers: Orphanet 98758, MedGen C0752124, MONDO:0008457, OMIM 183086.
Developmental and epileptic encephalopathy, 42 (DEE42A). Also called: Epileptic encephalopathy, early infantile, 42; DEVELOPMENTAL AND EPILEPTIC ENCEPHALOPATHY 42A; EPILEPTIC ENCEPHALOPATHY, EARLY INFANTILE, 42A. Identifiers: MedGen C4310716, MONDO:0014917, OMIM 617106.
Episodic ataxia type 2 (EA2). Also called: ACETAZOLAMIDE-RESPONSIVE HEREDITARY PAROXYSMAL CEREBELLAR ATAXIA; ATAXIA, EPISODIC, WITH NYSTAGMUS; ATAXIA, FAMILIAL PAROXYSMAL; CEREBELLAR ATAXIA, PAROXYSMAL, ACETAZOLAMIDE-RESPONSIVE; CEREBELLOPATHY, HEREDITARY PAROXYSMAL; EPISODIC ATAXIA, NYSTAGMUS-ASSOCIATED. Identifiers: Orphanet 97, MedGen C1720416, MONDO:0007163, OMIM 108500.
Migraine, familial hemiplegic, 1. Also called: MIGRAINE, FAMILIAL HEMIPLEGIC 1, WITH PROGRESSIVE CEREBELLAR ATAXIA. Identifiers: Orphanet 569, MedGen C1832884, MONDO:0020756, OMIM 141500, MONDO:0007714.

Submissions (4):

Blueprint Genetics
Classification: Likely benign. Last evaluated: 2024-11-28. Review status: criteria provided, single submitter. Criteria: ACMG Guidelines, 2015. Collection method: clinical testing. Allele origin: germline.

Molecular Genetics, Royal Melbourne Hospital
Classification: Benign for Spinocerebellar ataxia type 6. Last evaluated: 2023-05-04. Review status: criteria provided, single submitter. Criteria: ACMG Guidelines, 2015. Collection method: clinical testing. Allele origin: germline. Affected: yes.
Comment: African/African American population allele frequency is 27.41% (rs753460234, 2255/8580 alleles, 311 homozygotes in gnomAD v2.1). Based on the classification scheme RMH Modified ACMG/AMP Guidelines v1.2.1, this variant is classified as BENIGN. Following criteria are met: BA1

Fulgent Genetics
Classification: Benign for Episodic ataxia type 2; Migraine, familial hemiplegic, 1; Spinocerebellar ataxia type 6; Developmental and epileptic encephalopathy, 42. Last evaluated: 2021-07-19. Review status: criteria provided, single submitter. Criteria: ACMG Guidelines, 2015. Collection method: clinical testing. Allele origin: unknown.

GeneDx
Classification: Benign. Last evaluated: 2018-06-14. Review status: criteria provided, single submitter. Criteria: GeneDx Variant Classification Process June 2021. Collection method: clinical testing. Allele origin: germline. Affected: yes.